The following is an entry in ClinVar:

NM_012414.4(RAB3GAP2):c.*1504G>T

Gene: RAB3GAP2 (RAB3 GTPase activating non-catalytic protein subunit 2; minus strand). Cytogenetic location: 1q41.
Variant type: single nucleotide variant.
Coding change: c.*1504G>T on transcript NM_012414.4 (MANE Select); 1504 bases downstream of the stop codon, G replaced by T.
Molecular consequence: 3 prime UTR variant.
Genome position (GRCh38, 1-based): chr1:220,149,747, C>A on the plus strand (G>T on the coding strand, the complement: RAB3GAP2 is on the minus strand). VCF-style: chr1-220149747-C-A. GRCh37 (hg19) VCF-style: chr1-220323089-C-A.
Identifiers: ClinVar variation 295621 (VCV000295621.6), dbSNP rs41303053, ClinGen allele CA10610141.

ClinVar aggregate classification (germline): Benign. Review status: criteria provided, multiple submitters, no conflicts (2 of 4 stars). 3 submissions from 2 submitters: Benign (3). Last evaluated 2018-01-13.

Conditions:
Warburg micro syndrome 2 (WARBM2). Also called: MICRO SYNDROME 2. Identifiers: Orphanet 2510, MedGen C3280214, MONDO:0013641, OMIM 614225.
Martsolf syndrome (MARTS). Also called: Congenital cataract with intellectual disability and hypogonadotropic hypogonadism syndrome. Identifiers: Orphanet 1387, MedGen C0796037, MONDO:0023910.

Allele frequency attached by ClinVar (database versions not stated): gnomAD 0.03924 and 0.04073; TOPMed 0.04809; 1000 Genomes Project 30x 0.08323; 1000 Genomes Project 0.08766.

Submissions (3):

Illumina Laboratory Services, Illumina
Classification: Benign for Warburg micro syndrome 2. Last evaluated: 2018-01-13. Review status: criteria provided, single submitter. Criteria: ICSL Variant Classification Criteria 13 December 2019. Collection method: clinical testing. Allele origin: germline.
Comment: This variant was observed in the ICSL laboratory as part of a predisposition screen in an ostensibly healthy population. It had not been previously curated by ICSL or reported in the Human Gene Mutation Database (HGMD: prior to June 1st, 2018), and was therefore a candidate for classification through an automated scoring system. Utilizing variant allele frequency, disease prevalence and penetrance estimates, and inheritance mode, an automated score was calculated to assess if this variant is too frequent to cause the disease. Based on the score and internal cut-off values, a variant classified as benign is not then subjected to further curation. The score for this variant resulted in a classification of benign for this disease.

Illumina Laboratory Services, Illumina
Classification: Benign for Martsolf syndrome 1. Last evaluated: 2018-01-13. Review status: criteria provided, single submitter. Criteria: ICSL Variant Classification Criteria 13 December 2019. Collection method: clinical testing. Allele origin: germline.
Comment: the same text as in the submission from Illumina Laboratory Services, Illumina above.

Breakthrough Genomics
Classification: Benign. Review status: criteria provided, single submitter. Criteria: ACMG Guidelines, 2015. Collection method: not provided. Allele origin: germline. Inheritance: Autosomal recessive inheritance. Affected: yes.